The following is an entry in ClinVar:

NM_017433.5(MYO3A):c.2774C>T (p.Thr925Met)

Gene: MYO3A (myosin IIIA; plus strand). Cytogenetic location: 10p12.1.
Variant type: single nucleotide variant.
Coding change: c.2774C>T on transcript NM_017433.5 (MANE Select); coding-DNA position 2774, C replaced by T.
Protein change: p.Thr925Met; replaces threonine 925 with methionine.
Molecular consequence: missense variant.
Genome position (GRCh38, 1-based): chr10:26,154,804, C>T. VCF-style: chr10-26154804-C-T. GRCh37 (hg19) VCF-style: chr10-26443733-C-T.
Other names: short protein forms T925M.
Identifiers: ClinVar variation 805065 (VCV000805065.10), dbSNP rs149803315, ClinGen allele CA5445063.
Genomic context (GRCh38, chr10:26,154,804, plus strand): 5'-AGGGCGACACTGGAGAAGCCACACGTCATGCCAGAGAGACAACCAACATGAAAACACAAA[C>T]GGTTGCATCATATTTTAGAGTAAGATATTAAACTATGATGTATTGTGCTTAGGGGTGCTA-3'
Protein context (NP_059129.3, residues 915-935): ARETTNMKTQ[Thr925Met]VASYFRYSLM

ClinVar aggregate classification (germline): Uncertain significance. Review status: criteria provided, multiple submitters, no conflicts (2 of 4 stars). 4 submissions from 4 submitters: Uncertain significance (4). Last evaluated 2026-09-17.

Conditions:
Autosomal recessive nonsyndromic hearing loss 30. Identifiers: Orphanet 90636, MedGen C1846784, MONDO:0011774, OMIM 607101.

Allele frequency attached by ClinVar (database versions not stated): ExAC 0.00004; ESP Exome Variant Server 0.00008; TOPMed 0.00014; gnomAD 0.00016.
gnomAD v4.1: 152 of 1,613,130 alleles (0.0094%); highest among the groups gnomAD compares: Admixed American, 0.015%; no homozygotes.

Submissions (4):

GeneDx
Classification: Uncertain significance. Last evaluated: 2026-09-17. Review status: criteria provided, single submitter. Criteria: GeneDx Variant Classification Process June 2021. Collection method: clinical testing. Allele origin: germline.
Comment: In silico analysis supports that this missense variant has a deleterious effect on protein structure/function; Has not been previously published as pathogenic or benign to our knowledge

Labcorp Genetics (formerly Invitae), Labcorp
Classification: Uncertain significance. Last evaluated: 2024-01-29. Review status: criteria provided, single submitter. Criteria: Invitae Variant Classification Sherloc (09022015). Collection method: clinical testing. Allele origin: germline.
Comment: This sequence change replaces threonine, which is neutral and polar, with methionine, which is neutral and non-polar, at codon 925 of the MYO3A protein (p.Thr925Met). This variant is present in population databases (rs149803315, gnomAD 0.01%). This variant has not been reported in the literature in individuals affected with MYO3A-related conditions. ClinVar contains an entry for this variant (Variation ID: 805065). Advanced modeling of protein sequence and biophysical properties (such as structural, functional, and spatial information, amino acid conservation, physicochemical variation, residue mobility, and thermodynamic stability) performed at Invitae indicates that this missense variant is expected to disrupt MYO3A protein function with a positive predictive value of 80%. In summary, the available evidence is currently insufficient to determine the role of this variant in disease. Therefore, it has been classified as a Variant of Uncertain Significance.

Athena Diagnostics
Classification: Uncertain significance. Last evaluated: 2019-07-02. Review status: criteria provided, single submitter. Criteria: Athena Diagnostics Criteria. Collection method: clinical testing. Allele origin: germline.

Illumina Laboratory Services, Illumina
Classification: Uncertain significance for Autosomal recessive nonsyndromic hearing loss 30. Last evaluated: 2017-04-27. Review status: criteria provided, single submitter. Criteria: ICSL Variant Classification Criteria 13 December 2019. Collection method: clinical testing. Allele origin: germline.
Comment: This variant was observed as part of a predisposition screen in an ostensibly healthy population. A literature search was performed for the gene, cDNA change, and amino acid change (where applicable). Publications were found based on this search. However, the evidence from the literature, in combination with allele frequency data from public databases where available, was not sufficient to rule this variant in or out of causing disease. Therefore, this variant is classified as a variant of unknown significance.

Literature cited by the submitters: PubMed 24214986 (cited by Illumina Laboratory Services, Illumina).